The following is an entry in ClinVar:

NM_001080512.3(BICC1):c.129C>G (p.Ser43Arg)

Gene: BICC1 (BicC family RNA binding protein 1; plus strand). Cytogenetic location: 10q21.1.
Variant type: single nucleotide variant.
Coding change: c.129C>G on transcript NM_001080512.3 (MANE Select); coding-DNA position 129, C replaced by G.
Protein change: p.Ser43Arg; replaces serine 43 with arginine.
Molecular consequence: missense variant.
Genome position (GRCh38, 1-based): chr10:58,513,272, C>G. VCF-style: chr10-58513272-C-G. GRCh37 (hg19) VCF-style: chr10-60273032-C-G.
Other names: short protein forms S43R.
Identifiers: ClinVar variation 1709315 (VCV001709315.1), dbSNP rs1367178365, ClinGen allele CA377058864.
Genomic context (GRCh38, chr10:58,513,272, plus strand): 5'-CACCGACTCCCCAGTGCCCGGCTCCGAGGACGACTTGGTCGCCGGGGCGACCCTGCACAG[C>G]CCGGAGTGGAGCGAGGAGCGCTTCCGCGTGGACAGGAAGAAACTTGAGGCCATGTTACAA-3'
Protein context (NP_001073981.1, residues 33-53): DDLVAGATLH[Ser43Arg]PEWSEERFRV

ClinVar aggregate classification (germline): Uncertain significance (1 of 4 stars; one submission).

Conditions:
Renal dysplasia, cystic, susceptibility to. Identifiers: MedGen C3275898, MONDO:0011037, OMIM 601331.

gnomAD v4.1: 3 of 1,612,982 alleles (0.00019%); highest among the groups gnomAD compares: South Asian, 0.0022%; no homozygotes.

Submission:

MGZ Medical Genetics Center
Classification: Uncertain significance for Renal dysplasia, cystic, susceptibility to. Last evaluated: 2022-03-07. Review status: criteria provided, single submitter. Criteria: ACMG Guidelines, 2015. Collection method: clinical testing. Allele origin: germline. Affected: yes. Observed: 1 variant allele.
Comment: ACMG criteria applied: PM2_SUP, BP4